The following is an entry in ClinVar:

ClinVar aggregate classification (germline): Uncertain significance (1 of 4 stars; one submission).

Submission:

Labcorp Genetics (formerly Invitae), Labcorp
Classification: Uncertain significance. Last evaluated: 2021-11-26. Review status: criteria provided, single submitter. Criteria: Invitae Variant Classification Sherloc (09022015). Collection method: clinical testing. Allele origin: germline.
Comment: This sequence change replaces valine, which is neutral and non-polar, with leucine, which is neutral and non-polar, at codon 396 of the CDH2 protein (p.Val396Leu). This variant is not present in population databases (gnomAD no frequency). This variant has not been reported in the literature in individuals affected with CDH2-related conditions. Algorithms developed to predict the effect of missense changes on protein structure and function are either unavailable or do not agree on the potential impact of this missense change (SIFT: "Deleterious"; PolyPhen-2: "Benign"; Align-GVGD: "Class C25"). Algorithms developed to predict the effect of sequence changes on RNA splicing suggest that this variant may create or strengthen a splice site. In summary, the available evidence is currently insufficient to determine the role of this variant in disease. Therefore, it has been classified as a Variant of Uncertain Significance.

NM_001792.5(CDH2):c.1186G>T (p.Val396Leu)

Gene: CDH2 (cadherin 2; minus strand). Cytogenetic location: 18q12.1.
Variant type: single nucleotide variant.
Coding change: c.1186G>T on transcript NM_001792.5 (MANE Select); coding-DNA position 1186, G replaced by T.
Protein change: p.Val396Leu; replaces valine 396 with leucine.
Molecular consequence: missense variant.
Genome position (GRCh38, 1-based): chr18:27,992,813, C>A on the plus strand (G>T on the coding strand, the complement: CDH2 is on the minus strand). VCF-style: chr18-27992813-C-A. GRCh37 (hg19) VCF-style: chr18-25572777-C-A.
Other names: c.1093G>T, p.Val365Leu (NM_001308176.2); short protein forms V396L, V365L.
Identifiers: ClinVar variation 1395163 (VCV001395163.1), dbSNP rs2143976695, ClinGen allele CA402110635.
Genomic context (GRCh38, chr18:27,992,813, plus strand): 5'-AGGCTGGTGTATGGGGTTGATCCTTATCGGTCACAGTTAGATTAGCTACTATGATGTCTA[C>A]CCTGTTCTCAGGAACTTCACCATAAAACTGCGAGAAAGACAAACCTCAGTCAGAGGAGGG-3'
Protein context (NP_001783.2, residues 386-406): TFYGEVPENR[Val396Leu]DIIVANLTVT